The following is an entry in ClinVar:

NM_182643.3(DLC1):c.2264C>T (p.Thr755Met)

Gene: DLC1 (DLC1 Rho GTPase activating protein; minus strand). Cytogenetic location: 8p22.
Variant type: single nucleotide variant.
Coding change: c.2264C>T on transcript NM_182643.3 (MANE Select); coding-DNA position 2264, C replaced by T.
Protein change: p.Thr755Met; replaces threonine 755 with methionine.
Molecular consequence: missense variant.
Genome position (GRCh38, 1-based): chr8:13,100,073, G>A on the plus strand (C>T on the coding strand, the complement: DLC1 is on the minus strand). VCF-style: chr8-13100073-G-A. GRCh37 (hg19) VCF-style: chr8-12957582-G-A.
Other names: c.731C>T, p.Thr244Met (NM_001164271.2, NM_001348082.2, NM_001348083.1 and 6 more transcripts); c.1055C>T, p.Thr352Met (NM_001316668.2, NM_001413129.1); c.2264C>T, p.Thr755Met (NM_001348081.2, NM_001413124.1); c.1046C>T, p.Thr349Met (NM_001413130.1); c.704C>T, p.Thr235Met (NM_001413131.1, NM_001413137.1); c.1190C>T, p.Thr397Met (NM_001413132.1); c.953C>T, p.Thr318Met (NM_001413135.1, NM_001413136.1, NM_001413139.1 and 1 more transcripts); c.1088C>T, p.Thr363Met (NM_001413140.1); short protein forms T397M, T318M, T235M, T363M, T244M, T349M, T352M, T755M.
Identifiers: ClinVar variation 1970891 (VCV001970891.5), dbSNP rs201189821, ClinGen allele CA4638663.

ClinVar aggregate classification (germline): Uncertain significance (1 of 4 stars; one submission).

Allele frequency attached by ClinVar (database versions not stated): ExAC 0.00001; gnomAD 0.00002; TOPMed 0.00002; 1000 Genomes Project 30x 0.00016; 1000 Genomes Project 0.00020.
gnomAD v4.1: 31 of 1,613,520 alleles (0.0019%); highest among the groups gnomAD compares: Middle Eastern, 0.016%; no homozygotes.

Submission:

Labcorp Genetics (formerly Invitae), Labcorp
Classification: Uncertain significance. Last evaluated: 2023-10-13. Review status: criteria provided, single submitter. Criteria: Invitae Variant Classification Sherloc (09022015). Collection method: clinical testing. Allele origin: germline.
Comment: This sequence change replaces threonine, which is neutral and polar, with methionine, which is neutral and non-polar, at codon 755 of the DLC1 protein (p.Thr755Met). This variant is present in population databases (rs201189821, gnomAD 0.003%). This variant has not been reported in the literature in individuals affected with DLC1-related conditions. ClinVar contains an entry for this variant (Variation ID: 1970891). An algorithm developed to predict the effect of missense changes on protein structure and function (PolyPhen-2) suggests that this variant is likely to be disruptive. In summary, the available evidence is currently insufficient to determine the role of this variant in disease. Therefore, it has been classified as a Variant of Uncertain Significance.